The following is an entry in ClinVar:

ClinVar aggregate classification (germline): Benign/Likely benign. Review status: criteria provided, multiple submitters, no conflicts (2 of 4 stars). 4 submissions from 4 submitters: Benign (1); Likely benign (3). Last evaluated 2025-05-15.

Conditions:
Hereditary cancer-predisposing syndrome. Also called: Hereditary Cancer Syndrome; Neoplastic Syndromes, Hereditary; Hereditary neoplastic syndrome; Tumor predisposition. Identifiers: Orphanet 140162, MedGen C0027672, MeSH D009386, MONDO:0015356.
Familial adenomatous polyposis 1 (FAP1). Also called: FAMILIAL ADENOMATOUS POLYPOSIS 1, ATTENUATED; POLYPOSIS, ADENOMATOUS INTESTINAL. Identifiers: MedGen C2713442, MONDO:0021056, OMIM 175100. Disease mechanism: loss of function.

gnomAD v4.1: 1 of 1,614,128 alleles (0.000062%); highest among the groups gnomAD compares: Non-Finnish European, 0.000085%; no homozygotes.

Submissions (4):

Labcorp Genetics (formerly Invitae), Labcorp
Classification: Likely benign for Familial adenomatous polyposis 1. Last evaluated: 2025-05-15. Review status: criteria provided, single submitter. Criteria: Invitae Variant Classification Sherloc (09022015). Collection method: clinical testing. Allele origin: germline.

Myriad Genetics, Inc.
Classification: Benign for Familial adenomatous polyposis 1. Last evaluated: 2024-03-18. Review status: criteria provided, single submitter. Criteria: Myriad Autosomal Dominant, Autosomal Recessive and X-Linked Classification Criteria (2023). Collection method: clinical testing. Allele origin: unknown.
Comment: This variant is considered benign. This variant is a silent/synonymous amino acid change and it is not expected to impact splicing.

Color Diagnostics, LLC DBA Color Health
Classification: Likely benign for Hereditary cancer-predisposing syndrome. Last evaluated: 2022-11-06. Review status: criteria provided, single submitter. Criteria: ACMG Guidelines, 2015. Collection method: clinical testing. Allele origin: germline.

Ambry Genetics
Classification: Likely benign for Hereditary cancer-predisposing syndrome. Last evaluated: 2021-01-29. Review status: criteria provided, single submitter. Criteria: Ambry Variant Classification Scheme 2023. Collection method: clinical testing. Allele origin: germline.

NM_000038.6(APC):c.3048T>C (p.Asp1016=)

Gene: APC (APC regulator of Wnt signaling pathway; plus strand). Cytogenetic location: 5q22.2.
Variant type: single nucleotide variant.
Coding change: c.3048T>C on transcript NM_000038.6 (MANE Select); coding-DNA position 3048, T replaced by C.
Protein change: p.Asp1016=; no amino-acid change (aspartic acid 1016 retained).
Molecular consequence: synonymous variant.
Genome position (GRCh38, 1-based): chr5:112,838,642, T>C. VCF-style: chr5-112838642-T-C. GRCh37 (hg19) VCF-style: chr5-112174339-T-C.
Other names: c.3048T>C, p.Asp1016= (NM_001127510.3, NM_001354895.2); c.2994T>C, p.Asp998= (NM_001127511.3); c.3102T>C, p.Asp1034= (NM_001354896.2); c.3078T>C, p.Asp1026= (NM_001354897.2); c.2973T>C, p.Asp991= (NM_001354898.2); c.2964T>C, p.Asp988= (NM_001354899.2); c.2925T>C, p.Asp975= (NM_001354900.2); c.2871T>C, p.Asp957= (NM_001354901.2); and 5 more.
Identifiers: ClinVar variation 1143955 (VCV001143955.13), dbSNP rs2149883068, ClinGen allele CA445963144.